The following is an entry in ClinVar:

NM_000038.6(APC):c.7645C>G (p.Arg2549Gly)

Gene: APC (APC regulator of Wnt signaling pathway; plus strand). Cytogenetic location: 5q22.2.
Variant type: single nucleotide variant.
Coding change: c.7645C>G on transcript NM_000038.6 (MANE Select); coding-DNA position 7645, C replaced by G.
Protein change: p.Arg2549Gly; replaces arginine 2549 with glycine.
Molecular consequence: missense variant.
Genome position (GRCh38, 1-based): chr5:112,843,239, C>G. VCF-style: chr5-112843239-C-G. GRCh37 (hg19) VCF-style: chr5-112178936-C-G.
Other names: c.7645C>G, p.Arg2549Gly (NM_001127510.3, NM_001354895.2, NM_001407450.1); c.7591C>G, p.Arg2531Gly (NM_001127511.3); c.7699C>G, p.Arg2567Gly (NM_001354896.2, NM_001407447.1, NM_001407448.1 and 1 more transcripts); c.7675C>G, p.Arg2559Gly (NM_001354897.2); c.7570C>G, p.Arg2524Gly (NM_001354898.2); c.7561C>G, p.Arg2521Gly (NM_001354899.2); c.7522C>G, p.Arg2508Gly (NM_001354900.2); c.7468C>G, p.Arg2490Gly (NM_001354901.2, NM_001407453.1); and 11 more; short protein forms R2165G, R2266G, R2420G, R2466G, R2542G, R2577G, R2521G, R2559G.
Identifiers: ClinVar variation 1759954 (VCV001759954.2), dbSNP rs199539353, ClinGen allele CA16037939.

ClinVar aggregate classification (germline): Uncertain significance (1 of 4 stars; one submission).

Conditions:
Hereditary cancer-predisposing syndrome. Also called: Neoplastic Syndromes, Hereditary; Tumor predisposition; Hereditary Cancer Syndrome; Hereditary neoplastic syndrome. Identifiers: Orphanet 140162, MedGen C0027672, MeSH D009386, MONDO:0015356.

Submission:

Ambry Genetics
Classification: Uncertain significance for Hereditary cancer-predisposing syndrome. Last evaluated: 2024-03-06. Review status: criteria provided, single submitter. Criteria: Ambry Variant Classification Scheme 2023. Collection method: clinical testing. Allele origin: germline.
Comment: The p.R2549G variant (also known as c.7645C>G), located in coding exon 15 of the APC gene, results from a C to G substitution at nucleotide position 7645. The arginine at codon 2549 is replaced by glycine, an amino acid with dissimilar properties. This amino acid position is highly conserved in available vertebrate species. In addition, in silico predictors for this gene do not accurately predict pathogenicity. Based on the available evidence, the clinical significance of this alteration remains unclear.